The following is an entry in ClinVar:

NM_001267550.2(TTN):c.103693A>G (p.Met34565Val)

Genes: TTN (titin; minus strand), TTN-AS1 (TTN antisense RNA 1; plus strand). Cytogenetic location: 2q31.2.
Variant type: single nucleotide variant.
Coding change: c.103693A>G on transcript NM_001267550.2 (MANE Select); coding-DNA position 103693, A replaced by G.
Protein change: p.Met34565Val; replaces methionine 34565 with valine.
Molecular consequence: missense variant.
Genome position (GRCh38, 1-based): chr2:178,532,922, T>C on the plus strand (A>G on the coding strand, the complement: TTN is on the minus strand). VCF-style: chr2-178532922-T-C. GRCh37 (hg19) VCF-style: chr2-179397649-T-C.
Other names: c.98770A>G, p.Met32924Val (NM_001256850.1); c.76498A>G, p.Met25500Val (NM_003319.4); c.95989A>G, p.Met31997Val (NM_133378.4); c.76873A>G, p.Met25625Val (NM_133432.3); c.77074A>G, p.Met25692Val (NM_133437.4); short protein forms M25500V, M25625V, M34565V, M31997V, M25692V, M32924V.
Identifiers: ClinVar variation 658100 (VCV000658100.7), dbSNP rs1575256217, ClinGen allele CA349413721.
Genomic context (GRCh38, chr2:178,532,922, plus strand): 5'-CAAGTTTCCCAGGCATTTCATACTGATCACGTATCTTTTTATACCACTTCATGTCAGACA[T>C]GGGCACGAACTGCTTGATGCGTTGGTCTTCTTCTATGGTAGTCTGCTTATACTTGCGTGG-3'
Protein context (NP_001254479.2, residues 34555-34575): EDQRIKQFVP[Met34565Val]SDMKWYKKIR

ClinVar aggregate classification (germline): Uncertain significance (1 of 4 stars; one submission).

Conditions:
Dilated cardiomyopathy 1G (CMD1G). Identifiers: Orphanet 154, MedGen C1858763, MONDO:0011400, OMIM 604145.
Autosomal recessive limb-girdle muscular dystrophy type 2J (LGMDR10). Also called: Limb-girdle muscular dystrophy, type 2J; MUSCULAR DYSTROPHY, LIMB-GIRDLE, AUTOSOMAL RECESSIVE 10. Identifiers: Orphanet 140922, MedGen C1837342, MONDO:0012127, OMIM 608807.

Allele frequency attached by ClinVar (database versions not stated): gnomAD 0.00001; TOPMed 0.00001.
gnomAD v4.1: 1 of 1,613,834 alleles (0.000062%); highest among the groups gnomAD compares: Admixed American, 0.0017%; no homozygotes.

Submission:

Labcorp Genetics (formerly Invitae), Labcorp
Classification: Uncertain significance for Dilated cardiomyopathy 1G; Autosomal recessive limb-girdle muscular dystrophy type 2J. Last evaluated: 2018-08-03. Review status: criteria provided, single submitter. Criteria: Invitae Variant Classification Sherloc (09022015). Collection method: clinical testing. Allele origin: germline.
Comment: This sequence change replaces methionine with valine at codon 34565 of the TTN protein (p.Met34565Val). There is a small physicochemical difference between methionine and valine. This variant is not present in population databases (ExAC no frequency). This variant has not been reported in the literature in individuals with TTN-related disease. In summary, the available evidence is currently insufficient to determine the role of this variant in disease. Therefore, it has been classified as a Variant of Uncertain Significance. This variant is located in the M band of TTN (PMID: 25589632). Variants in this region may be relevant for neuromuscular disorders, but have not been definitively shown to cause cardiomyopathy (PMID: 23975875). Algorithms developed to predict the effect of missense changes on protein structure and function are unavailable for the TTN gene.

Literature cited by the submitters: PubMed 25589632; PubMed 23975875.